The following is an entry in ClinVar:

ClinVar aggregate classification (germline): Uncertain significance. Review status: criteria provided, multiple submitters, no conflicts (2 of 4 stars). 4 submissions from 3 submitters: Uncertain significance (4). Last evaluated 2023-02-08.

Conditions:
Inborn genetic diseases. Identifiers: MedGen C0950123, MeSH D030342.
Seckel syndrome 1 (SCKL1). Also called: MICROCEPHALIC PRIMORDIAL DWARFISM I. Identifiers: Orphanet 808, MedGen C4551474, MONDO:0008869, OMIM 210600.
Familial cutaneous telangiectasia and oropharyngeal predisposition cancer syndrome. Identifiers: Orphanet 313846, MedGen C3281203, MONDO:0013806, OMIM 614564.

Allele frequency attached by ClinVar (database versions not stated): gnomAD 0.00001.
gnomAD v4.1: 1 of 1,612,162 alleles (0.000062%); highest among the groups gnomAD compares: African/African-American, 0.0013%; no homozygotes.

Submissions (4):

Genome-Nilou Lab
Classification: Uncertain significance for Seckel syndrome 1. Last evaluated: 2023-02-08. Review status: criteria provided, single submitter. Criteria: ACMG Guidelines, 2015. Collection method: clinical testing. Allele origin: germline.

Genome-Nilou Lab
Classification: Uncertain significance for Familial cutaneous telangiectasia and oropharyngeal predisposition cancer syndrome. Last evaluated: 2023-02-08. Review status: criteria provided, single submitter. Criteria: ACMG Guidelines, 2015. Collection method: clinical testing. Allele origin: germline.

Labcorp Genetics (formerly Invitae), Labcorp
Classification: Uncertain significance. Last evaluated: 2022-08-23. Review status: criteria provided, single submitter. Criteria: Invitae Variant Classification Sherloc (09022015). Collection method: clinical testing. Allele origin: germline.
Comment: In summary, the available evidence is currently insufficient to determine the role of this variant in disease. Therefore, it has been classified as a Variant of Uncertain Significance. Algorithms developed to predict the effect of missense changes on protein structure and function (SIFT, PolyPhen-2, Align-GVGD) all suggest that this variant is likely to be tolerated. ClinVar contains an entry for this variant (Variation ID: 1411425). This variant has not been reported in the literature in individuals affected with ATR-related conditions. This variant is not present in population databases (gnomAD no frequency). This sequence change replaces isoleucine, which is neutral and non-polar, with valine, which is neutral and non-polar, at codon 41 of the ATR protein (p.Ile41Val).

Ambry Genetics
Classification: Uncertain significance for Inborn genetic diseases. Last evaluated: 2021-09-16. Review status: criteria provided, single submitter. Criteria: Ambry Variant Classification Scheme 2023. Collection method: clinical testing. Allele origin: germline.
Comment: The p.I41V variant (also known as c.121A>G), located in coding exon 2 of the ATR gene, results from an A to G substitution at nucleotide position 121. The isoleucine at codon 41 is replaced by valine, an amino acid with highly similar properties. This amino acid position is conserved. In addition, this alteration is predicted to be tolerated by in silico analysis. Since supporting evidence is limited at this time, the clinical significance of this alteration remains unclear.

NM_001184.4(ATR):c.121A>G (p.Ile41Val)

Gene: ATR (ATR checkpoint kinase; minus strand). Cytogenetic location: 3q23.
Variant type: single nucleotide variant.
Coding change: c.121A>G on transcript NM_001184.4 (MANE Select); coding-DNA position 121, A replaced by G.
Protein change: p.Ile41Val; replaces isoleucine 41 with valine.
Molecular consequence: missense variant.
Genome position (GRCh38, 1-based): chr3:142,568,093, T>C on the plus strand (A>G on the coding strand, the complement: ATR is on the minus strand). VCF-style: chr3-142568093-T-C. GRCh37 (hg19) VCF-style: chr3-142286935-T-C.
Other names: c.121A>G, p.Ile41Val (NM_001354579.2); short protein forms I41V.
Identifiers: ClinVar variation 1411425 (VCV001411425.10), dbSNP rs2035132364, ClinGen allele CA354829001.